The following is an entry in ClinVar:

NM_001142800.2(EYS):c.8707C>T (p.Pro2903Ser)

Genes: EYS (EGF-like photoreceptor maintenance factor; minus strand), PHF3 (PHD finger protein 3; plus strand). Cytogenetic location: 6q12.
Variant type: single nucleotide variant.
Coding change: c.8707C>T on transcript NM_001142800.2 (MANE Select); coding-DNA position 8707, C replaced by T.
Protein change: p.Pro2903Ser; replaces proline 2903 with serine.
Molecular consequence: missense variant. On other transcripts: 3 prime UTR variant (5).
Genome position (GRCh38, 1-based): chr6:63,721,324, G>A on the plus strand (C>T on the coding strand, the complement: EYS is on the minus strand). VCF-style: chr6-63721324-G-A. GRCh37 (hg19) VCF-style: chr6-64431220-G-A.
Other names: c.*7616G>A (NM_001290259.2, NM_001370348.2, NM_001370349.2 and 2 more transcripts); c.8770C>T, p.Pro2924Ser (NM_001292009.2); short protein forms P2903S, P2924S.
Identifiers: ClinVar variation 1489421 (VCV001489421.8), dbSNP rs2149624814, ClinGen allele CA364384158.

ClinVar aggregate classification (germline): Uncertain significance (1 of 4 stars; one submission).

gnomAD v4.1: 2 of 1,551,932 alleles (0.00013%); highest among the groups gnomAD compares: Non-Finnish European, 0.000087%; no homozygotes.

Submission:

Labcorp Genetics (formerly Invitae), Labcorp
Classification: Uncertain significance. Last evaluated: 2022-09-08. Review status: criteria provided, single submitter. Criteria: Invitae Variant Classification Sherloc (09022015). Collection method: clinical testing. Allele origin: germline.
Comment: This variant is not present in population databases (gnomAD no frequency). In summary, the available evidence is currently insufficient to determine the role of this variant in disease. Therefore, it has been classified as a Variant of Uncertain Significance. Advanced modeling of protein sequence and biophysical properties (such as structural, functional, and spatial information, amino acid conservation, physicochemical variation, residue mobility, and thermodynamic stability) has been performed at Invitae for this missense variant, however the output from this modeling did not meet the statistical confidence thresholds required to predict the impact of this variant on EYS protein function. ClinVar contains an entry for this variant (Variation ID: 1489421). This variant has not been reported in the literature in individuals affected with EYS-related conditions. This sequence change replaces proline, which is neutral and non-polar, with serine, which is neutral and polar, at codon 2903 of the EYS protein (p.Pro2903Ser).